The following is an entry in ClinVar:

NM_002103.5(GYS1):c.652G>C (p.Val218Leu)

Gene: GYS1 (glycogen synthase 1; minus strand). Cytogenetic location: 19q13.33.
Variant type: single nucleotide variant.
Coding change: c.652G>C on transcript NM_002103.5 (MANE Select); coding-DNA position 652, G replaced by C.
Protein change: p.Val218Leu; replaces valine 218 with leucine.
Molecular consequence: missense variant. On other transcripts: non-coding transcript variant (1).
Genome position (GRCh38, 1-based): chr19:48,985,876, C>G on the plus strand (G>C on the coding strand, the complement: GYS1 is on the minus strand). VCF-style: chr19-48985876-C-G. GRCh37 (hg19) VCF-style: chr19-49489133-C-G.
Other names: c.460G>C, p.Val154Leu (NM_001161587.2); short protein forms V154L, V218L.
Identifiers: ClinVar variation 1054282 (VCV001054282.8), dbSNP rs771977818, ClinGen allele CA406765029.

ClinVar aggregate classification (germline): Uncertain significance (1 of 4 stars; one submission).

Conditions:
Glycogen storage disease due to muscle and heart glycogen synthase deficiency. Also called: GSD 0b; MUSCLE GLYCOGEN SYNTHASE DEFICIENCY. Identifiers: Orphanet 137625, MedGen C1969054, MONDO:0012693, OMIM 611556.

gnomAD v4.1: 7 of 1,613,624 alleles (0.00043%); highest among the groups gnomAD compares: Non-Finnish European, 0.00059%; no homozygotes.

Submission:

Labcorp Genetics (formerly Invitae), Labcorp
Classification: Uncertain significance for Glycogen storage disease due to muscle and heart glycogen synthase deficiency. Last evaluated: 2022-06-27. Review status: criteria provided, single submitter. Criteria: Invitae Variant Classification Sherloc (09022015). Collection method: clinical testing. Allele origin: germline.
Comment: In summary, the available evidence is currently insufficient to determine the role of this variant in disease. Therefore, it has been classified as a Variant of Uncertain Significance. Algorithms developed to predict the effect of missense changes on protein structure and function are either unavailable or do not agree on the potential impact of this missense change (SIFT: "Tolerated"; PolyPhen-2: "Probably Damaging"; Align-GVGD: "Class C0"). ClinVar contains an entry for this variant (Variation ID: 1054282). This variant has not been reported in the literature in individuals affected with GYS1-related conditions. This variant is not present in population databases (gnomAD no frequency). This sequence change replaces valine, which is neutral and non-polar, with leucine, which is neutral and non-polar, at codon 218 of the GYS1 protein (p.Val218Leu).